The following is an entry in ClinVar:

ClinVar aggregate classification (germline): Conflicting classifications of pathogenicity. Review status: criteria provided, conflicting classifications (1 of 4 stars). 2 submissions from 2 submitters: Likely pathogenic (1); Uncertain significance (1). Last evaluated 2024-06-21.

Conditions:
Epidermolysis bullosa dystrophica. Also called: Dystrophic epidermolysis bullosa, Hallopeau-Siemens type (formerly); Dystrophic epidermolysis bullosa. Identifiers: Orphanet 303, MedGen C0079294, MONDO:0006543.

Allele frequency attached by ClinVar (database versions not stated): gnomAD exomes below 0.00001.
gnomAD v4.1: 1 of 1,613,930 alleles (0.000062%); highest among the groups gnomAD compares: East Asian, 0.0022%; no homozygotes.

Submissions (2):

Natera, Inc.
Classification: Likely pathogenic for Dystrophic epidermolysis bullosa. Last evaluated: 2024-06-21. Review status: criteria provided, single submitter. Criteria: Natera Variant Classification Schema (03/2026). Collection method: clinical testing. Allele origin: germline.
Comment: The c.5414C>T variant in COL7A1 is a missense variant predicted to cause substitution of proline to leucine at amino acid 1805. This variant is rare in the general population with a frequency below the threshold expected for the associated phenotype(s). This variant has been observed in one or more individuals affected with the associated recessive disease, as either homozygous or compound heterozygous with a second variant (PMID: 3657804). Computational prediction algorithms indicate this variant is likely to affect gene or protein function. Given the available evidence, this variant is classified as Likely Pathogenic.

GeneDx
Classification: Uncertain significance. Last evaluated: 2019-01-09. Review status: criteria provided, single submitter. Criteria: GeneDx Variant Classification Process June 2021. Collection method: clinical testing. Allele origin: germline. Affected: yes.
Comment: Has not been previously published as pathogenic or benign to our knowledge; In silico analysis, which includes protein predictors and evolutionary conservation, supports a deleterious effect

Literature cited by the submitters: PubMed 3657804 (cited by Natera, Inc.).

NM_000094.4(COL7A1):c.5414C>T (p.Pro1805Leu)

Genes: COL7A1 (collagen type VII alpha 1 chain; minus strand), MIR711 (microRNA 711; minus strand). Cytogenetic location: 3p21.31.
Variant type: single nucleotide variant.
Coding change: c.5414C>T on transcript NM_000094.4 (MANE Select); coding-DNA position 5414, C replaced by T.
Protein change: p.Pro1805Leu; replaces proline 1805 with leucine.
Molecular consequence: missense variant. On other transcripts: non-coding transcript variant (1).
Genome position (GRCh38, 1-based): chr3:48,578,929, G>A on the plus strand (C>T on the coding strand, the complement: COL7A1 is on the minus strand). VCF-style: chr3-48578929-G-A. GRCh37 (hg19) VCF-style: chr3-48616362-G-A.
Other names: short protein forms P1805L.
Identifiers: ClinVar variation 1200940 (VCV001200940.5), dbSNP rs1391386241, ClinGen allele CA352673538.